The following is an entry in ClinVar:

ClinVar aggregate classification (germline): Conflicting classifications of pathogenicity. Review status: criteria provided, conflicting classifications (1 of 4 stars). 3 submissions from 3 submitters: Likely pathogenic (1); Uncertain significance (2). Last evaluated 2025-11-21.

Conditions:
Cardiovascular phenotype. Identifiers: MedGen CN230736.
Dilated cardiomyopathy 1DD (CMD1DD). Identifiers: Orphanet 154, MedGen C2750995, MONDO:0013168, OMIM 613172.

Allele frequency attached by ClinVar (database versions not stated): gnomAD exomes below 0.00001.
gnomAD v4.1: 1 of 1,551,372 alleles (0.000064%); highest among the groups gnomAD compares: Non-Finnish European, 0.000087%; no homozygotes.

Submissions (3):

Molecular Diagnostic Laboratory for Inherited Cardiovascular Disease, Montreal Heart Institute
Classification: Likely pathogenic for Cardiovascular phenotype. Last evaluated: 2025-11-21. Review status: criteria provided, single submitter. Criteria: ACMG Guidelines, 2015. Collection method: clinical testing. Allele origin: germline. Affected: yes.
Comment: PS3_supp, PS4_supp, PM1, PM2, PP1

Ambry Genetics
Classification: Uncertain significance for Cardiovascular phenotype. Last evaluated: 2024-11-07. Review status: criteria provided, single submitter. Criteria: Ambry Variant Classification Scheme 2023. Collection method: clinical testing. Allele origin: germline.
Comment: The p.V914A variant (also known as c.2741T>C), located in coding exon 11 of the RBM20 gene, results from a T to C substitution at nucleotide position 2741. The valine at codon 914 is replaced by alanine, an amino acid with similar properties. This variant has been reported in association with cardiomyopathy (Gaertner A et al. Hum Mutat, 2020 Nov;41:1931-1943). This amino acid position is highly conserved in available vertebrate species. In addition, the in silico prediction for this alteration is inconclusive. Based on the available evidence, the clinical significance of this variant remains unclear.

Labcorp Genetics (formerly Invitae), Labcorp
Classification: Uncertain significance for Dilated cardiomyopathy 1DD. Last evaluated: 2022-12-12. Review status: criteria provided, single submitter. Criteria: Invitae Variant Classification Sherloc (09022015). Collection method: clinical testing. Allele origin: germline.
Comment: This variant is not present in population databases (gnomAD no frequency). This sequence change replaces valine, which is neutral and non-polar, with alanine, which is neutral and non-polar, at codon 914 of the RBM20 protein (p.Val914Ala). This missense change has been observed in individual(s) with clinical features of RBM20-related conditions (PMID: 32840935). It has also been observed to segregate with disease in related individuals. ClinVar contains an entry for this variant (Variation ID: 202071). Advanced modeling of protein sequence and biophysical properties (such as structural, functional, and spatial information, amino acid conservation, physicochemical variation, residue mobility, and thermodynamic stability) performed at Invitae indicates that this missense variant is not expected to disrupt RBM20 protein function. In summary, the available evidence is currently insufficient to determine the role of this variant in disease. Therefore, it has been classified as a Variant of Uncertain Significance.

Literature cited by the submitters: PubMed 32840935 (cited by Ambry Genetics and Labcorp Genetics (formerly Invitae), Labcorp).

NM_001134363.3(RBM20):c.2741T>C (p.Val914Ala)

Gene: RBM20 (RNA binding motif protein 20; plus strand). Cytogenetic location: 10q25.2.
Variant type: single nucleotide variant.
Coding change: c.2741T>C on transcript NM_001134363.3 (MANE Select); coding-DNA position 2741, T replaced by C.
Protein change: p.Val914Ala; replaces valine 914 with alanine.
Molecular consequence: missense variant.
Genome position (GRCh38, 1-based): chr10:110,821,360, T>C. VCF-style: chr10-110821360-T-C. GRCh37 (hg19) VCF-style: chr10-112581118-T-C.
Other names: short protein forms V914A.
Identifiers: ClinVar variation 202071 (VCV000202071.12), dbSNP rs794729154, ClinGen allele CA335567.